The following is an entry in ClinVar:

ClinVar aggregate classification (germline): Likely benign (0 of 4 stars; one submission).

Conditions:
GRIN2D-related disorder. Also called: GRIN2D-related condition.

Submission:

PreventionGenetics, part of Exact Sciences
Classification: Likely benign for GRIN2D-related condition. Last evaluated: 2024-07-12. Review status: no assertion criteria provided. Collection method: clinical testing. Allele origin: germline.
Comment: This variant is classified as likely benign based on ACMG/AMP sequence variant interpretation guidelines (Richards et al. 2015 PMID: 25741868, with internal and published modifications).

NM_000836.4(GRIN2D):c.3090G>C (p.Pro1030=)

Gene: GRIN2D (glutamate ionotropic receptor NMDA type subunit 2D; plus strand). Cytogenetic location: 19q13.33.
Variant type: single nucleotide variant.
Coding change: c.3090G>C on transcript NM_000836.4 (MANE Select); coding-DNA position 3090, G replaced by C.
Protein change: p.Pro1030=; no amino-acid change (proline 1030 retained).
Molecular consequence: synonymous variant.
Genome position (GRCh38, 1-based): chr19:48,443,016, G>C. VCF-style: chr19-48443016-G-C. GRCh37 (hg19) VCF-style: chr19-48946273-G-C.
Identifiers: ClinVar variation 3352232 (VCV003352232.1).